The following is an entry in ClinVar:

ClinVar aggregate classification (germline): Uncertain significance. Review status: criteria provided, multiple submitters, no conflicts (2 of 4 stars). 2 submissions from 2 submitters: Uncertain significance (2). Last evaluated 2025-05-05.

Conditions:
Gorlin syndrome. Also called: Nevoid Basal Cell Carcinoma Syndrome; Basal cell nevus syndrome. Identifiers: Orphanet 377, MedGen C0004779, MONDO:0007187.

Allele frequency attached by ClinVar (database versions not stated): gnomAD 0.00001; ExAC 0.00002; TOPMed 0.00002; gnomAD exomes 0.00004; ESP Exome Variant Server 0.00008.
gnomAD v4.1: 62 of 1,614,050 alleles (0.0038%); highest among the groups gnomAD compares: Non-Finnish European, 0.0049%; no homozygotes.

Submissions (2):

Labcorp Genetics (formerly Invitae), Labcorp
Classification: Uncertain significance for Gorlin syndrome. Last evaluated: 2025-05-05. Review status: criteria provided, single submitter. Criteria: Invitae Variant Classification Sherloc (09022015). Collection method: clinical testing. Allele origin: germline.
Comment: This sequence change replaces methionine, which is neutral and non-polar, with isoleucine, which is neutral and non-polar, at codon 291 of the PTCH2 protein (p.Met291Ile). This variant is present in population databases (rs374026806, gnomAD 0.004%). This variant has not been reported in the literature in individuals affected with PTCH2-related conditions. ClinVar contains an entry for this variant (Variation ID: 2154357). Invitae Evidence Modeling of protein sequence and biophysical properties (such as structural, functional, and spatial information, amino acid conservation, physicochemical variation, residue mobility, and thermodynamic stability) indicates that this missense variant is expected to disrupt PTCH2 protein function with a positive predictive value of 80%. In summary, the available evidence is currently insufficient to determine the role of this variant in disease. Therefore, it has been classified as a Variant of Uncertain Significance.

Ambry Genetics
Classification: Uncertain significance. Last evaluated: 2021-08-12. Review status: criteria provided, single submitter. Criteria: Ambry Variant Classification Scheme 2023. Collection method: clinical testing. Allele origin: germline.

NM_003738.5(PTCH2):c.873G>T (p.Met291Ile)

Gene: PTCH2 (patched 2; minus strand). Cytogenetic location: 1p34.1.
Variant type: single nucleotide variant.
Coding change: c.873G>T on transcript NM_003738.5 (MANE Select); coding-DNA position 873, G replaced by T.
Protein change: p.Met291Ile; replaces methionine 291 with isoleucine.
Molecular consequence: missense variant.
Genome position (GRCh38, 1-based): chr1:44,829,971, C>A on the plus strand (G>T on the coding strand, the complement: PTCH2 is on the minus strand). VCF-style: chr1-44829971-C-A. GRCh37 (hg19) VCF-style: chr1-45295643-C-A.
Other names: c.873G>T, p.Met291Ile (NM_001166292.2); c.873G>T (NM_003738.4); short protein forms M291I.
Identifiers: ClinVar variation 2154357 (VCV002154357.5), dbSNP rs374026806, ClinGen allele CA823501.